The following is an entry in ClinVar:

NM_001099274.3(TINF2):c.1285C>T (p.Leu429=)

Gene: TINF2 (TERF1 interacting nuclear factor 2; minus strand). Cytogenetic location: 14q12.
Variant type: single nucleotide variant.
Coding change: c.1285C>T on transcript NM_001099274.3 (MANE Select); coding-DNA position 1285, C replaced by T.
Protein change: p.Leu429=; no amino-acid change (leucine 429 retained).
Molecular consequence: synonymous variant. On other transcripts: 3 prime UTR variant (1).
Genome position (GRCh38, 1-based): chr14:24,239,868, G>A on the plus strand (C>T on the coding strand, the complement: TINF2 is on the minus strand). VCF-style: chr14-24239868-G-A. GRCh37 (hg19) VCF-style: chr14-24709074-G-A.
Other names: c.1180C>T, p.Leu394= (NM_001363668.2); c.*547C>T (NM_012461.3).
Identifiers: ClinVar variation 1145665 (VCV001145665.13), dbSNP rs780647966, ClinGen allele CA7130426.

ClinVar aggregate classification (germline): Likely benign. Review status: criteria provided, multiple submitters, no conflicts (2 of 4 stars). 5 submissions from 5 submitters: Likely benign (4). 1 of the submissions does not count toward it. Last evaluated 2026-01-15.

Conditions:
TINF2-related disorder. Also called: TINF2-related condition.
Dyskeratosis congenita. Identifiers: Orphanet 1775, MedGen C0265965, MONDO:0015780.

gnomAD v4.1: 59 of 1,614,062 alleles (0.0037%); highest among the groups gnomAD compares: Non-Finnish European, 0.0049%; no homozygotes.

Submissions (5):

Labcorp Genetics (formerly Invitae), Labcorp
Classification: Likely benign for Dyskeratosis congenita. Last evaluated: 2026-01-15. Review status: criteria provided, single submitter. Criteria: Invitae Variant Classification Sherloc (09022015). Collection method: clinical testing. Allele origin: germline.

Ambry Genetics
Classification: Likely benign for Dyskeratosis congenita. Last evaluated: 2024-11-22. Review status: criteria provided, single submitter. Criteria: Ambry Variant Classification Scheme 2023. Collection method: clinical testing. Allele origin: germline.

Blueprint Genetics
Classification: Likely benign. Last evaluated: 2024-10-11. Review status: criteria provided, single submitter. Criteria: ACMG Guidelines, 2015. Collection method: clinical testing. Allele origin: germline.

Sema4
Classification: Likely benign for Dyskeratosis congenita. Last evaluated: 2021-08-10. Review status: criteria provided, single submitter. Criteria: Sema4 Curation Guidelines. Collection method: curation. Allele origin: germline.

PreventionGenetics, part of Exact Sciences
Classification: Likely benign for TINF2-related condition. Last evaluated: 2024-07-18. Review status: no assertion criteria provided. Collection method: clinical testing. Allele origin: germline. Not counted in ClinVar's aggregate classification.
Comment: This variant is classified as likely benign based on ACMG/AMP sequence variant interpretation guidelines (Richards et al. 2015 PMID: 25741868, with internal and published modifications).